The following is an entry in ClinVar:

ClinVar aggregate classification (germline): Uncertain significance (1 of 4 stars; one submission).

Allele frequency attached by ClinVar (database versions not stated): gnomAD exomes below 0.00001; TOPMed below 0.00001; ExAC 0.00001; ESP Exome Variant Server 0.00008.
gnomAD v4.1: 4 of 1,611,522 alleles (0.00025%); highest among the groups gnomAD compares: Non-Finnish European, 0.00034%; no homozygotes.

Submission:

Labcorp Genetics (formerly Invitae), Labcorp
Classification: Uncertain significance. Last evaluated: 2022-09-01. Review status: criteria provided, single submitter. Criteria: Invitae Variant Classification Sherloc (09022015). Collection method: clinical testing. Allele origin: germline.
Comment: In summary, the available evidence is currently insufficient to determine the role of this variant in disease. Therefore, it has been classified as a Variant of Uncertain Significance. Algorithms developed to predict the effect of sequence changes on RNA splicing suggest that this variant may create or strengthen a splice site. Advanced modeling of protein sequence and biophysical properties (such as structural, functional, and spatial information, amino acid conservation, physicochemical variation, residue mobility, and thermodynamic stability) performed at Invitae indicates that this missense variant is not expected to disrupt LRP2 protein function. ClinVar contains an entry for this variant (Variation ID: 1509391). This variant has not been reported in the literature in individuals affected with LRP2-related conditions. This variant is present in population databases (rs138665736, gnomAD 0.0009%). This sequence change replaces isoleucine, which is neutral and non-polar, with valine, which is neutral and non-polar, at codon 1749 of the LRP2 protein (p.Ile1749Val).

NM_004525.3(LRP2):c.5245A>G (p.Ile1749Val)

Gene: LRP2 (LDL receptor related protein 2; minus strand). Cytogenetic location: 2q31.1.
Variant type: single nucleotide variant.
Coding change: c.5245A>G on transcript NM_004525.3 (MANE Select); coding-DNA position 5245, A replaced by G.
Protein change: p.Ile1749Val; replaces isoleucine 1749 with valine.
Molecular consequence: missense variant.
Genome position (GRCh38, 1-based): chr2:169,226,571, T>C on the plus strand (A>G on the coding strand, the complement: LRP2 is on the minus strand). VCF-style: chr2-169226571-T-C. GRCh37 (hg19) VCF-style: chr2-170083081-T-C.
Other names: short protein forms I1749V.
Identifiers: ClinVar variation 1509391 (VCV001509391.6), dbSNP rs138665736, ClinGen allele CA1954575.